The following is an entry in ClinVar:

ClinVar aggregate classification (germline): Uncertain significance (1 of 4 stars; one submission).

Conditions:
Epileptic encephalopathy. Identifiers: MedGen C0543888, HP:0200134.

gnomAD v4.1: 1 of 1,613,958 alleles (0.000062%); no homozygotes.

Submission:

Labcorp Genetics (formerly Invitae), Labcorp
Classification: Uncertain significance for Epileptic encephalopathy. Last evaluated: 2024-03-11. Review status: criteria provided, single submitter. Criteria: Invitae Variant Classification Sherloc (09022015). Collection method: clinical testing. Allele origin: germline.
Comment: This sequence change replaces aspartic acid, which is acidic and polar, with asparagine, which is neutral and polar, at codon 4578 of the RYR3 protein (p.Asp4578Asn). This variant is not present in population databases (gnomAD no frequency). This variant has not been reported in the literature in individuals affected with RYR3-related conditions. ClinVar contains an entry for this variant (Variation ID: 1051832). Advanced modeling of protein sequence and biophysical properties (such as structural, functional, and spatial information, amino acid conservation, physicochemical variation, residue mobility, and thermodynamic stability) performed at Invitae indicates that this missense variant is not expected to disrupt RYR3 protein function with a negative predictive value of 80%. In summary, the available evidence is currently insufficient to determine the role of this variant in disease. Therefore, it has been classified as a Variant of Uncertain Significance.

NM_001036.6(RYR3):c.13732G>A (p.Asp4578Asn)

Genes: RYR3 (ryanodine receptor 3; plus strand), AVEN (apoptosis and caspase activation inhibitor; minus strand), LOC126862094 (CDK7 strongly-dependent group 2 enhancer GRCh37_chr15:34145183-34146382; plus strand). Cytogenetic location: 15q14.
Variant type: single nucleotide variant.
Coding change: c.13732G>A on transcript NM_001036.6 (MANE Select); coding-DNA position 13732, G replaced by A.
Protein change: p.Asp4578Asn; replaces aspartic acid 4578 with asparagine.
Molecular consequence: missense variant.
Genome position (GRCh38, 1-based): chr15:33,853,615, G>A. VCF-style: chr15-33853615-G-A. GRCh37 (hg19) VCF-style: chr15-34145816-G-A.
Other names: c.13717G>A, p.Asp4573Asn (NM_001243996.4); short protein forms D4573N, D4578N.
Identifiers: ClinVar variation 1051832 (VCV001051832.10), dbSNP rs2152999058, ClinGen allele CA391600352.